The following is an entry in ClinVar:

ClinVar aggregate classification (germline): Conflicting classifications of pathogenicity. Review status: criteria provided, conflicting classifications (1 of 4 stars). 2 submissions from 2 submitters: Uncertain significance (1); Likely benign (1). Last evaluated 2025-08-19.

Conditions:
Congenital contractural arachnodactyly (CCA). Also called: BEALS SYNDROME; Beals-Hecht syndrome; Arthrogryposis, distal, type 9. Identifiers: Orphanet 115, MedGen C0220668, MONDO:0007363, OMIM 121050.
Familial thoracic aortic aneurysm and aortic dissection (TAAD). Also called: Thoracic aortic aneurysms and dissections. Identifiers: Orphanet 91387, MedGen C4707243, MONDO:0019625.

gnomAD v4.1: 3 of 1,613,634 alleles (0.00019%); highest among the groups gnomAD compares: Non-Finnish European, 0.00025%; no homozygotes.

Submissions (2):

Labcorp Genetics (formerly Invitae), Labcorp
Classification: Likely benign for Congenital contractural arachnodactyly. Last evaluated: 2025-08-19. Review status: criteria provided, single submitter. Criteria: Invitae Variant Classification Sherloc (09022015). Collection method: clinical testing. Allele origin: germline.

Ambry Genetics
Classification: Uncertain significance for Familial thoracic aortic aneurysm and aortic dissection. Last evaluated: 2024-11-13. Review status: criteria provided, single submitter. Criteria: Ambry Variant Classification Scheme 2023. Collection method: clinical testing. Allele origin: germline.
Comment: The c.5988T>C variant (also known as p.S1996S), located in coding exon 47 of the FBN2 gene, results from a T to C substitution at nucleotide position 5988. This nucleotide substitution does not change the amino acid at codon 1996. This nucleotide position is poorly conserved in available vertebrate species. In silico splice site analysis for this alteration is inconclusive. Based on the available evidence, the clinical significance of this variant remains unclear.

NM_001999.4(FBN2):c.5988T>C (p.Ser1996=)

Gene: FBN2 (fibrillin 2; minus strand). Cytogenetic location: 5q23.3.
Variant type: single nucleotide variant.
Coding change: c.5988T>C on transcript NM_001999.4 (MANE Select); coding-DNA position 5988, T replaced by C.
Protein change: p.Ser1996=; no amino-acid change (serine 1996 retained).
Molecular consequence: synonymous variant.
Genome position (GRCh38, 1-based): chr5:128,301,440, A>G on the plus strand (T>C on the coding strand, the complement: FBN2 is on the minus strand). VCF-style: chr5-128301440-A-G. GRCh37 (hg19) VCF-style: chr5-127637132-A-G.
Identifiers: ClinVar variation 3513592 (VCV003513592.2).
Genomic context (GRCh38, chr5:128,301,440, plus strand): 5'-ACCTATACAGTTTTTGCCATCTGGGGTAAGTTCATAACCTTCGTTACATAGACACTTGAA[A>G]GAACCAATTTCATTAAAACAACGTCCATTTCTGCACACCTGACCAAAAAAGGAACTGCAC-3'
Protein context (NP_001990.2, residues 1986-2006): RNGRCFNEIG[Ser1996=]FKCLCNEGYE